The following is an entry in ClinVar:

NM_000238.4(KCNH2):c.1877del (p.Gly626fs)

Gene: KCNH2 (potassium voltage-gated channel subfamily H member 2; minus strand). Cytogenetic location: 7q36.1.
Variant type: Deletion.
Coding change: c.1877del on transcript NM_000238.4 (MANE Select); coding-DNA position 1877, one base deleted (G; older notation c.1877delG).
Protein change: p.Gly626fs; shifts the reading frame from glycine 626.
Molecular consequence: frameshift variant. On other transcripts: non-coding transcript variant (2).
Genome position (GRCh38, 1-based): chr7:150,951,516, C deleted on the plus strand (G on the coding strand, the reverse complement: KCNH2 is on the minus strand); the first of 3 consecutive C bases (chr7:150,951,516-150,951,518); deleting any one gives the same sequence. VCF-style (leftmost placement, unchanged base first): chr7-150951515-GC-G. GRCh37 (hg19) VCF-style: chr7-150648603-GC-G.
Other names: c.857del, p.Gly286fs (NM_001204798.2, NM_172057.3); c.1589del, p.Gly530fs (NM_001406753.1, NM_001406756.1); c.1700del, p.Gly567fs (NM_001406755.1); c.1577del, p.Gly526fs (NM_001406757.1); c.1877del, p.Gly626fs (NM_172056.3); short protein forms G286fs, G530fs, G626fs, G526fs, G567fs.
Identifiers: ClinVar variation 2735100 (VCV002735100.3), dbSNP rs2486036512, ClinGen allele CA2695208721.

ClinVar aggregate classification (germline): Pathogenic (1 of 4 stars; one submission).

Conditions:
Long QT syndrome (LQTS). Identifiers: MedGen C0023976, MeSH D008133, MONDO:0002442. Disease mechanism: loss of function. Inheritance: Various modes of inheritance.

Submission:

Labcorp Genetics (formerly Invitae), Labcorp
Classification: Pathogenic for Long QT syndrome. Last evaluated: 2023-10-04. Review status: criteria provided, single submitter. Criteria: Invitae Variant Classification Sherloc (09022015). Collection method: clinical testing. Allele origin: germline.
Comment: This sequence change creates a premature translational stop signal (p.Gly626Alafs*88) in the KCNH2 gene. It is expected to result in an absent or disrupted protein product. Loss-of-function variants in KCNH2 are known to be pathogenic (PMID: 10973849, 19862833). This variant is not present in population databases (gnomAD no frequency). This premature translational stop signal has been observed in individual(s) with long QT syndrome (PMID: 19926013). This variant is also known as G626fsX713. For these reasons, this variant has been classified as Pathogenic.

Literature cited by the submitters: PubMed 10973849; PubMed 19862833; PubMed 19926013.